The following is an entry in ClinVar:

NM_000111.3(SLC26A3):c.888G>T (p.Met296Ile)

Gene: SLC26A3 (solute carrier family 26 member 3; minus strand). Cytogenetic location: 7q22.3.
Variant type: single nucleotide variant.
Coding change: c.888G>T on transcript NM_000111.3 (MANE Select); coding-DNA position 888, G replaced by T.
Protein change: p.Met296Ile; replaces methionine 296 with isoleucine.
Molecular consequence: missense variant.
Genome position (GRCh38, 1-based): chr7:107,787,357, C>A on the plus strand (G>T on the coding strand, the complement: SLC26A3 is on the minus strand). VCF-style: chr7-107787357-C-A. GRCh37 (hg19) VCF-style: chr7-107427802-C-A.
Other names: short protein forms M296I.
Identifiers: ClinVar variation 2007602 (VCV002007602.4), dbSNP rs1342223106, ClinGen allele CA368852573.

ClinVar aggregate classification (germline): Uncertain significance (1 of 4 stars; one submission).

Submission:

Labcorp Genetics (formerly Invitae), Labcorp
Classification: Uncertain significance. Last evaluated: 2022-06-17. Review status: criteria provided, single submitter. Criteria: Invitae Variant Classification Sherloc (09022015). Collection method: clinical testing. Allele origin: germline.
Comment: This sequence change replaces methionine, which is neutral and non-polar, with isoleucine, which is neutral and non-polar, at codon 296 of the SLC26A3 protein (p.Met296Ile). This variant also falls at the last nucleotide of exon 7, which is part of the consensus splice site for this exon. This variant is not present in population databases (gnomAD no frequency). In summary, the available evidence is currently insufficient to determine the role of this variant in disease. Therefore, it has been classified as a Variant of Uncertain Significance. Variants that disrupt the consensus splice site are a relatively common cause of aberrant splicing (PMID: 17576681, 9536098). Algorithms developed to predict the effect of sequence changes on RNA splicing suggest that this variant may disrupt the consensus splice site. Algorithms developed to predict the effect of missense changes on protein structure and function (SIFT, PolyPhen-2, Align-GVGD) all suggest that this variant is likely to be tolerated. This variant has not been reported in the literature in individuals affected with SLC26A3-related conditions.

Literature cited by the submitters: PubMed 17576681; PubMed 9536098.